The following is an entry in ClinVar:

NM_177438.3(DICER1):c.5439G>A (p.Glu1813=)

Gene: DICER1 (dicer 1, ribonuclease III; minus strand). Cytogenetic location: 14q32.13.
Variant type: single nucleotide variant.
Coding change: c.5439G>A on transcript NM_177438.3 (MANE Select); coding-DNA position 5439, G replaced by A.
Protein change: p.Glu1813=; no amino-acid change (glutamic acid 1813 retained).
Molecular consequence: synonymous variant. On other transcripts: intron variant (1).
Genome position (GRCh38, 1-based): chr14:95,091,291, C>T on the plus strand (G>A on the coding strand, the complement: DICER1 is on the minus strand). VCF-style: chr14-95091291-C-T. GRCh37 (hg19) VCF-style: chr14-95557628-C-T.
Other names: c.5439G>A, p.Glu1813= (NM_001271282.3, NM_001291628.2, NM_030621.4); c.5365-182G>A (NM_001195573.1).
Identifiers: ClinVar variation 933093 (VCV000933093.3), dbSNP rs1889805730, ClinGen allele CA487843722.

ClinVar aggregate classification (germline): Pathogenic (1 of 4 stars; one submission).

Conditions:
DICER1-related tumor predisposition. Also called: DICER1-related pleuropulmonary blastoma cancer predisposition syndrome; DICER1 syndrome. Identifiers: Orphanet 284343, MedGen C3839822, MONDO:0100216.

Submission:

Foulkes Cancer Genetics LDI, Lady Davis Institute for Medical Research
Classification: Pathogenic for Pleuropulmonary blastoma. Last evaluated: 2019-07-01. Review status: criteria provided, single submitter. Criteria: ACMG Guidelines, 2015. Collection method: curation. Allele origin: somatic. Affected: yes. Observed: 3 variant alleles.
Comment: ACMG criteria met: PS3, PM1, PM2, PM7, PP3, PP4, BP1

Literature cited by the submitters: PubMed 29538609; PubMed 30014022.